The following is an entry in ClinVar:

NM_000419.5(ITGA2B):c.1374C>A (p.Ile458=)

Gene: ITGA2B (integrin subunit alpha 2b; minus strand). Cytogenetic location: 17q21.31.
Variant type: single nucleotide variant.
Coding change: c.1374C>A on transcript NM_000419.5 (MANE Select); coding-DNA position 1374, C replaced by A.
Protein change: p.Ile458=; no amino-acid change (isoleucine 458 retained).
Molecular consequence: synonymous variant.
Genome position (GRCh38, 1-based): chr17:44,380,898, G>T on the plus strand (C>A on the coding strand, the complement: ITGA2B is on the minus strand). VCF-style: chr17-44380898-G-T. GRCh37 (hg19) VCF-style: chr17-42458266-G-T.
Identifiers: ClinVar variation 3344154 (VCV003344154.1).
Genomic context (GRCh38, chr17:44,380,898, plus strand): 5'-GCCTTTCTTGGGCATTTCTAGCTGGAGGCAGTCCAGGGCACCTGGGTATCCGTTGTCATC[G>T]ATGTCTACGGCACCTCGAAGGGAGAAGCCAAAGGCAGAGCCTGTGGGGAAGGGGCTGTCC-3'
Protein context (NP_000410.2, residues 448-468): FGFSLRGAVD[Ile458=]DDNGYPDLIV

ClinVar aggregate classification (germline): Uncertain significance (0 of 4 stars; one submission).

Conditions:
ITGA2B-related disorder. Also called: ITGA2B-related condition; ITGA2B-related disorders.

gnomAD v4.1: 2 of 1,614,108 alleles (0.00012%); highest among the groups gnomAD compares: Non-Finnish European, 0.00017%; no homozygotes.

Submission:

PreventionGenetics, part of Exact Sciences
Classification: Uncertain significance for ITGA2B-related condition. Last evaluated: 2024-05-11. Review status: no assertion criteria provided. Collection method: clinical testing. Allele origin: germline.
Comment: The ITGA2B c.1374C>A variant is not predicted to result in an amino acid change (p.=). This variant is predicted to alter splicing based on available splicing prediction programs (SpliceAI, Jaganathan et al. 2019. PubMed ID: 30661751). However, such computer prediction programs are imperfect. To our knowledge, this variant has not been reported in the literature. This variant is reported in 0.00088% of alleles in individuals of European (Non-Finnish) descent in gnomAD. At this time, the clinical significance of this variant is uncertain due to the absence of conclusive functional and genetic evidence.